The following is an entry in ClinVar:

ClinVar aggregate classification (germline): Benign. Review status: criteria provided, multiple submitters, no conflicts (2 of 4 stars). 2 submissions from 2 submitters: Benign (2). Last evaluated 2025-05-12.

Conditions:
HYPERHOMOCYSTEINEMIA, THROMBOTIC, CBS-RELATED. Identifiers: MedGen C3150344, OMIM 236200.

Submissions (2):

Labcorp Genetics (formerly Invitae), Labcorp
Classification: Benign for HYPERHOMOCYSTEINEMIA, THROMBOTIC, CBS-RELATED. Last evaluated: 2025-05-12. Review status: criteria provided, single submitter. Criteria: Invitae Variant Classification Sherloc (09022015). Collection method: clinical testing. Allele origin: germline.

GeneDx
Classification: Benign. Last evaluated: 2015-05-01. Review status: criteria provided, single submitter. Criteria: GeneDx Variant Classification (06012015). Collection method: clinical testing. Allele origin: germline. Affected: yes.
Comment: This variant was found in TAADV2-PANCARD,CBS

NM_000071.2(CBS):c.844_845insATCCAGGTGGGGCTTTTGCTGGGCTTGAGCCCTGAAGCCGCGCCCTCTGCAGATCATTGGGGTGGATC

Gene: CBS (cystathionine beta-synthase; minus strand). Cytogenetic location: 21q22.3.
Variant type: Insertion.
Coding change: c.844_845insATCCAGGTGGGGCTTTTGCTGGGCTTGAGCCCTGAAGCCGCGCCCTCTGCAGATCATTGGGGTGGATC on transcript NM_000071.2; coding-DNA positions 844 to 845, ATCCAGGTGGGGCTTTTGCTGGGCTTGAGCCCTGAAGCCGCGCCCTCTGCAGATCATTGGGGTGGATC inserted.
Genome position: GRCh38: chr21:43,063,107-43,063,108. GRCh37 (hg19): chr21:44,483,217-44,483,218.
Identifiers: ClinVar variation 212823 (VCV000212823.5), ClinGen allele CA325268.